The following is an entry in ClinVar:

NM_001035.3(RYR2):c.195C>T (p.Cys65=)

Gene: RYR2 (ryanodine receptor 2; plus strand). Cytogenetic location: 1q43.
Variant type: single nucleotide variant.
Coding change: c.195C>T on transcript NM_001035.3 (MANE Select); coding-DNA position 195, C replaced by T.
Protein change: p.Cys65=; no amino-acid change (cysteine 65 retained).
Molecular consequence: synonymous variant.
Genome position (GRCh38, 1-based): chr1:237,330,904, C>T. VCF-style: chr1-237330904-C-T. GRCh37 (hg19) VCF-style: chr1-237494204-C-T.
Identifiers: ClinVar variation 2733161 (VCV002733161.4), dbSNP rs372132157, ClinGen allele CA40003267.

ClinVar aggregate classification (germline): Conflicting classifications of pathogenicity. Review status: criteria provided, conflicting classifications (1 of 4 stars). 2 submissions from 2 submitters: Uncertain significance (1); Likely benign (1). Last evaluated 2025-09-14.

Conditions:
Catecholaminergic polymorphic ventricular tachycardia 1. Also called: RYR2-Related Catecholaminergic Polymorphic Ventricular Tachycardia; VENTRICULAR TACHYCARDIA, CATECHOLAMINERGIC POLYMORPHIC, 1, WITH OR WITHOUT ATRIAL DYSFUNCTION AND/OR DILATED CARDIOMYOPATHY; VENTRICULAR TACHYCARDIA, STRESS-INDUCED POLYMORPHIC 1. Identifiers: Orphanet 3286, MedGen C1631597, MONDO:0011484, OMIM 604772.
Catecholaminergic polymorphic ventricular tachycardia (CVPT). Also called: Catecholamine-induced polymorphic ventricular tachycardia. Identifiers: Orphanet 3286, MedGen C5574922, MONDO:0017990.

Allele frequency attached by ClinVar (database versions not stated): gnomAD exomes below 0.00001; TOPMed below 0.00001; ESP Exome Variant Server 0.00016.
gnomAD v4.1: 1 of 1,613,990 alleles (0.000062%); highest among the groups gnomAD compares: Non-Finnish European, 0.000085%; no homozygotes.

Submissions (2):

Labcorp Genetics (formerly Invitae), Labcorp
Classification: Likely benign for Catecholaminergic polymorphic ventricular tachycardia 1. Last evaluated: 2025-09-14. Review status: criteria provided, single submitter. Criteria: Invitae Variant Classification Sherloc (09022015). Collection method: clinical testing. Allele origin: germline.

All of Us Research Program, National Institutes of Health
Classification: Uncertain significance for Catecholaminergic polymorphic ventricular tachycardia. Last evaluated: 2023-08-15. Review status: criteria provided, single submitter. Criteria: ACMG Guidelines, 2015. Collection method: clinical testing. Allele origin: germline. Inheritance: Autosomal dominant inheritance. Observed: 1 variant allele, 1 heterozygote.
Comment: This study involves interpretation of variants in research participants for the purpose of population health screening. Participant phenotype was not available at the time of variant classification. Additional details can be found in publication PMID: 35346344, PMCID: PMC8962531